The following is an entry in ClinVar:

NM_000059.4(BRCA2):c.7867C>A (p.His2623Asn)

Gene: BRCA2 (BRCA2 DNA repair associated; plus strand). Cytogenetic location: 13q13.1.
Variant type: single nucleotide variant.
Coding change: c.7867C>A on transcript NM_000059.4 (MANE Select); coding-DNA position 7867, C replaced by A.
Protein change: p.His2623Asn; replaces histidine 2623 with asparagine.
Molecular consequence: missense variant. On other transcripts: non-coding transcript variant (1).
Genome position (GRCh38, 1-based): chr13:32,362,584, C>A. VCF-style: chr13-32362584-C-A. GRCh37 (hg19) VCF-style: chr13-32936721-C-A.
Other names: c.7771C>A, p.His2591Asn (NM_001406719.1); c.7867C>A, p.His2623Asn (NM_001406720.1); c.2935C>A, p.His979Asn (NM_001406721.1); c.1450C>A, p.His484Asn (NM_001406722.1); short protein forms H2591N, H2623N, H484N, H979N.
Identifiers: ClinVar variation 2744357 (VCV002744357.4), dbSNP rs1566244783, ClinGen allele CA387747082.

ClinVar aggregate classification (germline): Uncertain significance. Review status: criteria provided, multiple submitters, no conflicts (2 of 4 stars). 2 submissions from 2 submitters: Uncertain significance (2). Last evaluated 2025-09-15.

Conditions:
Hereditary cancer-predisposing syndrome. Also called: Hereditary Cancer Syndrome; Neoplastic Syndromes, Hereditary; Tumor predisposition; Hereditary neoplastic syndrome. Identifiers: Orphanet 140162, MedGen C0027672, MeSH D009386, MONDO:0015356.
Hereditary breast ovarian cancer syndrome. Also called: BRCA1- and BRCA2-Associated Hereditary Breast and Ovarian Cancer; Breast and ovarian cancer; Hereditary breast and/or ovarian cancer syndrome; Hereditary breast and ovarian cancer; Hereditary breast and ovarian cancer syndrome (HBOC); Hereditary breast and ovarian cancer syndrome. Identifiers: Orphanet 145, MedGen C0677776, MeSH D061325, MONDO:0003582. Disease mechanism: loss of function.

Submissions (2):

Ambry Genetics
Classification: Uncertain significance for Hereditary cancer-predisposing syndrome. Last evaluated: 2025-09-15. Review status: criteria provided, single submitter. Criteria: Ambry Variant Classification Scheme 2023. Collection method: clinical testing. Allele origin: germline.
Comment: The p.H2623N variant (also known as c.7867C>A), located in coding exon 16 of the BRCA2 gene, results from a C to A substitution at nucleotide position 7867. The histidine at codon 2623 is replaced by asparagine, an amino acid with similar properties. The results from two saturation genome editing-based studies, including a haploid cell-survival assay and a humanized mouse embryonic stem cell line assay of drug response and survival, are indeterminate for this nucleotide substitution (Huang H et al. Nature. 2025 Feb;638(8050):528-537; Sahu S et al. Nature. 2025 Feb;638(8050):538-545). This amino acid position is highly conserved in available vertebrate species. In addition, this alteration is predicted to be deleterious by in silico analysis. Based on the available evidence, the clinical significance of this variant remains unclear.

Labcorp Genetics (formerly Invitae), Labcorp
Classification: Uncertain significance for Hereditary breast ovarian cancer syndrome. Last evaluated: 2024-04-10. Review status: criteria provided, single submitter. Criteria: Invitae Variant Classification Sherloc (09022015). Collection method: clinical testing. Allele origin: germline.
Comment: This sequence change replaces histidine, which is basic and polar, with asparagine, which is neutral and polar, at codon 2623 of the BRCA2 protein (p.His2623Asn). This variant is not present in population databases (gnomAD no frequency). This variant has not been reported in the literature in individuals affected with BRCA2-related conditions. Advanced modeling of protein sequence and biophysical properties (such as structural, functional, and spatial information, amino acid conservation, physicochemical variation, residue mobility, and thermodynamic stability) has been performed at Invitae for this missense variant, however the output from this modeling did not meet the statistical confidence thresholds required to predict the impact of this variant on BRCA2 protein function. This variant disrupts the p.His2623 amino acid residue in BRCA2. Other variant(s) that disrupt this residue have been determined to be pathogenic (PMID: 33609447; Invitae; external communication). This suggests that this residue is clinically significant, and that variants that disrupt this residue are likely to be disease-causing. In summary, the available evidence is currently insufficient to determine the role of this variant in disease. Therefore, it has been classified as a Variant of Uncertain Significance.

Literature cited by the submitters: PubMed 33609447 (cited by Labcorp Genetics (formerly Invitae), Labcorp).